The following is an entry in ClinVar:

ClinVar aggregate classification (germline): Uncertain significance (1 of 4 stars; one submission).

Allele frequency attached by ClinVar (database versions not stated): TOPMed below 0.00001; gnomAD 0.00001.
gnomAD v4.1: 1 of 1,607,256 alleles (0.000062%); highest among the groups gnomAD compares: African/African-American, 0.0013%; no homozygotes.

Submission:

Labcorp Genetics (formerly Invitae), Labcorp
Classification: Uncertain significance. Last evaluated: 2022-01-27. Review status: criteria provided, single submitter. Criteria: Invitae Variant Classification Sherloc (09022015). Collection method: clinical testing. Allele origin: germline.
Comment: This sequence change replaces threonine, which is neutral and polar, with alanine, which is neutral and non-polar, at codon 1268 of the RERE protein (p.Thr1268Ala). This variant is not present in population databases (gnomAD no frequency). This variant has not been reported in the literature in individuals affected with RERE-related conditions. Advanced modeling of protein sequence and biophysical properties (such as structural, functional, and spatial information, amino acid conservation, physicochemical variation, residue mobility, and thermodynamic stability) performed at Invitae indicates that this missense variant is not expected to disrupt RERE protein function. In summary, the available evidence is currently insufficient to determine the role of this variant in disease. Therefore, it has been classified as a Variant of Uncertain Significance.

NM_001042681.2(RERE):c.3802A>G (p.Thr1268Ala)

Gene: RERE (arginine-glutamic acid dipeptide repeats; minus strand). Cytogenetic location: 1p36.23.
Variant type: single nucleotide variant.
Coding change: c.3802A>G on transcript NM_001042681.2 (MANE Select); coding-DNA position 3802, A replaced by G.
Protein change: p.Thr1268Ala; replaces threonine 1268 with alanine.
Molecular consequence: missense variant.
Genome position (GRCh38, 1-based): chr1:8,358,733, T>C on the plus strand (A>G on the coding strand, the complement: RERE is on the minus strand). VCF-style: chr1-8358733-T-C. GRCh37 (hg19) VCF-style: chr1-8418793-T-C.
Other names: c.2140A>G, p.Thr714Ala (NM_001042682.2); c.3802A>G, p.Thr1268Ala (NM_012102.4); short protein forms T714A, T1268A.
Identifiers: ClinVar variation 2090354 (VCV002090354.4), dbSNP rs1557583435, ClinGen allele CA338169819.